The following continues an entry in ClinVar:

NM_000059.4(BRCA2):c.1938C>T (p.Ser646=)

Gene: BRCA2. ClinVar aggregate classification (germline): Benign. Benign (1).

Submissions 23 to 32 of 32:

BRCAlab, Lund University
Classification: Benign for Breast-ovarian cancer, familial, susceptibility to, 2. Last evaluated: 2020-03-02. Review status: no assertion criteria provided. Collection method: clinical testing. Allele origin: germline. Affected: yes. Not counted in ClinVar's aggregate classification.

Mayo Clinic Laboratories, Mayo Clinic
Classification: Likely benign. Last evaluated: 2017-04-20. Review status: no assertion criteria provided. Collection method: clinical testing. Allele origin: unknown. Not counted in ClinVar's aggregate classification.

Counsyl
Classification: Likely benign for Breast-ovarian cancer, familial 2. Last evaluated: 2014-03-24. Review status: no assertion criteria provided. Collection method: literature only. Allele origin: unknown. Inheritance: Autosomal dominant inheritance. Not counted in ClinVar's aggregate classification.

Breast Cancer Information Core (BIC) (BRCA2)
Classification: Benign for Breast-ovarian cancer, familial 2. Last evaluated: 2002-12-23. Review status: no assertion criteria provided. Collection method: clinical testing. Allele origin: germline. Affected: yes. Observed: 2 variant alleles. Not counted in ClinVar's aggregate classification.

Clinical Genetics Laboratory, Department of Pathology, Netherlands Cancer Institute
Classification: Benign. Review status: no assertion criteria provided. Collection method: clinical testing. Allele origin: germline. Affected: yes. Study: VKGL Data-share Consensus. Not counted in ClinVar's aggregate classification.

Department of Pathology and Laboratory Medicine, Sinai Health System
Classification: Benign. Review status: no assertion criteria provided. Collection method: clinical testing. Allele origin: unknown. Affected: yes. Study: The Canadian Open Genetics Repository (COGR). Not counted in ClinVar's aggregate classification.

Diagnostic Laboratory, Department of Genetics, University Medical Center Groningen
Classification: Benign for Breast-ovarian cancer, familial, susceptibility to, 2. Review status: no assertion criteria provided. Collection method: clinical testing. Allele origin: germline. Affected: yes. Study: VKGL Data-share Consensus. Not counted in ClinVar's aggregate classification.

Genome Diagnostics Laboratory, University Medical Center Utrecht
Classification: Benign. Review status: no assertion criteria provided. Collection method: clinical testing. Allele origin: germline. Affected: yes. Study: VKGL Data-share Consensus. Not counted in ClinVar's aggregate classification.

Joint Genome Diagnostic Labs from Nijmegen and Maastricht, Radboudumc and MUMC+
Classification: Benign. Review status: no assertion criteria provided. Collection method: clinical testing. Allele origin: germline. Affected: yes. Study: VKGL Data-share Consensus. Not counted in ClinVar's aggregate classification.

Laboratory of Diagnostic Genome Analysis, Leiden University Medical Center (LUMC)
Classification: Benign. Review status: no assertion criteria provided. Collection method: clinical testing. Allele origin: germline. Affected: yes. Study: VKGL Data-share Consensus. Not counted in ClinVar's aggregate classification.

Literature cited by the submitters: PubMed 12955716 (cited by Women's Health and Genetics/Laboratory Corporation of America, LabCorp and Counsyl); PubMed 15026808 (cited by Women's Health and Genetics/Laboratory Corporation of America, LabCorp); PubMed 15635067 (cited by Women's Health and Genetics/Laboratory Corporation of America, LabCorp); PubMed 20104584 (cited by Counsyl).